The following is an entry in ClinVar:

ClinVar aggregate classification (germline): Uncertain significance (1 of 4 stars; one submission).

Conditions:
Hereditary spastic paraplegia 73. Also called: Spastic paraplegia 73, autosomal dominant. Identifiers: Orphanet 444099, MedGen C5568981, MONDO:0014568, OMIM 616282.

Submission:

Labcorp Genetics (formerly Invitae), Labcorp
Classification: Uncertain significance for Hereditary spastic paraplegia 73. Last evaluated: 2023-10-13. Review status: criteria provided, single submitter. Criteria: Invitae Variant Classification Sherloc (09022015). Collection method: clinical testing. Allele origin: germline.
Comment: This sequence change replaces aspartic acid, which is acidic and polar, with glutamic acid, which is acidic and polar, at codon 17 of the CPT1C protein (p.Asp17Glu). This variant is not present in population databases (gnomAD no frequency). This variant has not been reported in the literature in individuals affected with CPT1C-related conditions. An algorithm developed to predict the effect of missense changes on protein structure and function (PolyPhen-2) suggests that this variant is likely to be tolerated. In summary, the available evidence is currently insufficient to determine the role of this variant in disease. Therefore, it has been classified as a Variant of Uncertain Significance.

NM_001199753.2(CPT1C):c.51C>A (p.Asp17Glu)

Gene: CPT1C (carnitine palmitoyltransferase 1C; plus strand). Cytogenetic location: 19q13.33.
Variant type: single nucleotide variant.
Coding change: c.51C>A on transcript NM_001199753.2 (MANE Select); coding-DNA position 51, C replaced by A.
Protein change: p.Asp17Glu; replaces aspartic acid 17 with glutamic acid.
Molecular consequence: missense variant. On other transcripts: non-coding transcript variant (1).
Genome position (GRCh38, 1-based): chr19:49,692,303, C>A. VCF-style: chr19-49692303-C-A. GRCh37 (hg19) VCF-style: chr19-50195560-C-A.
Other names: c.51C>A, p.Asp17Glu (NM_001199752.3, NM_001378482.1, NM_001378483.1 and 7 more transcripts); short protein forms D17E.
Identifiers: ClinVar variation 2990371 (VCV002990371.3), dbSNP rs1033563376, ClinGen allele CA309499718.